The following is an entry in ClinVar:

NM_177438.3(DICER1):c.5692A>T (p.Arg1898Trp)

Gene: DICER1 (dicer 1, ribonuclease III; minus strand). Cytogenetic location: 14q32.13.
Variant type: single nucleotide variant.
Coding change: c.5692A>T on transcript NM_177438.3 (MANE Select); coding-DNA position 5692, A replaced by T.
Protein change: p.Arg1898Trp; replaces arginine 1898 with tryptophan.
Molecular consequence: missense variant. On other transcripts: 3 prime UTR variant (1), non-coding transcript variant (6).
Genome position (GRCh38, 1-based): chr14:95,090,575, T>A on the plus strand (A>T on the coding strand, the complement: DICER1 is on the minus strand). VCF-style: chr14-95090575-T-A. GRCh37 (hg19) VCF-style: chr14-95556912-T-A.
Other names: c.*39A>T (NM_001195573.1); c.5692A>T, p.Arg1898Trp (NM_001271282.3, NM_001291628.2, NM_001395677.1 and 7 more transcripts); c.5410A>T, p.Arg1804Trp (NM_001395686.1); c.5287A>T, p.Arg1763Trp (NM_001395687.1, NM_001395688.1, NM_001395689.1 and 1 more transcripts); c.5125A>T, p.Arg1709Trp (NM_001395691.1); c.4009A>T, p.Arg1337Trp (NM_001395697.1); short protein forms R1337W, R1709W, R1763W, R1804W, R1898W.
Identifiers: ClinVar variation 3393355 (VCV003393355.1).

ClinVar aggregate classification (germline): Uncertain significance (1 of 4 stars; one submission).

Conditions:
Hereditary cancer-predisposing syndrome. Also called: Hereditary Cancer Syndrome; Tumor predisposition; Hereditary neoplastic syndrome; Neoplastic Syndromes, Hereditary. Identifiers: Orphanet 140162, MedGen C0027672, MeSH D009386, MONDO:0015356.

Submission:

Hereditary Cancer Group, L’Institut d'Investigació Biomèdica de Bellvitge
Classification: Uncertain significance for Hereditary cancer-predisposing syndrome. Last evaluated: 2024-12-19. Review status: criteria provided, single submitter. Criteria: Hatton et al. (Hum Mutat. 2023). Collection method: clinical testing. Allele origin: germline. Inheritance: Autosomal dominant inheritance. Affected: yes.
Comment: PM2_supporting